The following is an entry in ClinVar:

ClinVar aggregate classification (germline): Uncertain significance. Review status: criteria provided, multiple submitters, no conflicts (2 of 4 stars). 3 submissions from 3 submitters: Uncertain significance (2). 1 of the submissions does not count toward it. Last evaluated 2025-10-17.

Conditions:
Inborn genetic diseases. Identifiers: MedGen C0950123, MeSH D030342.
RS1-related disorder. Also called: RS1-related condition.

gnomAD v4.1: 1 of 1,211,447 alleles (0.000083%); highest among the groups gnomAD compares: South Asian, 0.0018%; no homozygotes.

Submissions (3):

Ambry Genetics
Classification: Uncertain significance for Inborn genetic diseases. Last evaluated: 2025-10-17. Review status: criteria provided, single submitter. Criteria: Ambry Variant Classification Scheme 2023. Collection method: clinical testing. Allele origin: germline.

Labcorp Genetics (formerly Invitae), Labcorp
Classification: Uncertain significance. Last evaluated: 2022-06-20. Review status: criteria provided, single submitter. Criteria: Invitae Variant Classification Sherloc (09022015). Collection method: clinical testing. Allele origin: germline.
Comment: This sequence change replaces arginine, which is basic and polar, with leucine, which is neutral and non-polar, at codon 160 of the RS1 protein (p.Arg160Leu). This variant is not present in population databases (gnomAD no frequency). This variant has not been reported in the literature in individuals affected with RS1-related conditions. Advanced modeling of protein sequence and biophysical properties (such as structural, functional, and spatial information, amino acid conservation, physicochemical variation, residue mobility, and thermodynamic stability) performed at Invitae indicates that this missense variant is not expected to disrupt RS1 protein function. In summary, the available evidence is currently insufficient to determine the role of this variant in disease. Therefore, it has been classified as a Variant of Uncertain Significance.

PreventionGenetics, part of Exact Sciences
Classification: Uncertain significance for RS1-related condition. Last evaluated: 2024-05-20. Review status: no assertion criteria provided. Collection method: clinical testing. Allele origin: germline. Not counted in ClinVar's aggregate classification.
Comment: The RS1 c.479G>T variant is predicted to result in the amino acid substitution p.Arg160Leu. To our knowledge, this variant has not been reported in the literature or in a large population database, indicating this variant is rare. At this time, the clinical significance of this variant is uncertain due to the absence of conclusive functional and genetic evidence.

NM_000330.4(RS1):c.479G>T (p.Arg160Leu)

Genes: CDKL5 (cyclin dependent kinase like 5; plus strand), RS1 (retinoschisin 1; minus strand). Cytogenetic location: Xp22.13.
Variant type: single nucleotide variant.
Coding change: c.479G>T on transcript NM_000330.4 (MANE Select); coding-DNA position 479, G replaced by T.
Protein change: p.Arg160Leu; replaces arginine 160 with leucine.
Molecular consequence: missense variant. On other transcripts: intron variant (2).
Genome position (GRCh38, 1-based): chrX:18,644,473, C>A on the plus strand (G>T on the coding strand, the complement: RS1 is on the minus strand). VCF-style: chrX-18644473-C-A. GRCh37 (hg19) VCF-style: chrX-18662593-C-A.
Other names: c.2714-1534C>A (NM_003159.3, NM_001037343.2); short protein forms R160L.
Identifiers: ClinVar variation 1989788 (VCV001989788.2), dbSNP rs758816133, ClinGen allele CA412371414.